The following is an entry in ClinVar:

ClinVar aggregate classification (germline): Uncertain significance (1 of 4 stars; one submission).

Submission:

Labcorp Genetics (formerly Invitae), Labcorp
Classification: Uncertain significance. Last evaluated: 2025-02-14. Review status: criteria provided, single submitter. Criteria: Invitae Variant Classification Sherloc (09022015). Collection method: clinical testing. Allele origin: germline.
Comment: This sequence change replaces asparagine, which is neutral and polar, with lysine, which is basic and polar, at codon 1221 of the HMCN1 protein (p.Asn1221Lys). This variant is not present in population databases (gnomAD no frequency). This variant has not been reported in the literature in individuals affected with HMCN1-related conditions. An algorithm developed to predict the effect of missense changes on protein structure and function (PolyPhen-2) suggests that this variant is likely to be tolerated. In summary, the available evidence is currently insufficient to determine the role of this variant in disease. Therefore, it has been classified as a Variant of Uncertain Significance.

NM_031935.3(HMCN1):c.3663T>G (p.Asn1221Lys)

Gene: HMCN1 (hemicentin 1; plus strand). Cytogenetic location: 1q31.1.
Variant type: single nucleotide variant.
Coding change: c.3663T>G on transcript NM_031935.3 (MANE Select); coding-DNA position 3663, T replaced by G.
Protein change: p.Asn1221Lys; replaces asparagine 1221 with lysine.
Molecular consequence: missense variant.
Genome position (GRCh38, 1-based): chr1:185,994,972, T>G. VCF-style: chr1-185994972-T-G. GRCh37 (hg19) VCF-style: chr1-185964104-T-G.
Other names: short protein forms N1221K.
Identifiers: ClinVar variation 4713042 (VCV004713042.1).